The following is an entry in ClinVar:

ClinVar aggregate classification (germline): Likely benign (1 of 4 stars; one submission).

Conditions:
Hypertrophic cardiomyopathy. Also called: HYPERTROPHIC MYOCARDIOPATHY. Identifiers: Orphanet 217569, MedGen C0007194, MeSH D002312, MONDO:0005045, HP:0001639.

Submission:

All of Us Research Program, National Institutes of Health
Classification: Likely benign for Hypertrophic cardiomyopathy. Last evaluated: 2023-06-08. Review status: criteria provided, single submitter. Criteria: ACMG Guidelines, 2015. Collection method: clinical testing. Allele origin: germline. Inheritance: Autosomal dominant inheritance. Observed: 1 variant allele, 1 heterozygote.
Comment: This study involves interpretation of variants in research participants for the purpose of population health screening. Participant phenotype was not available at the time of variant classification. Additional details can be found in publication PMID: 35346344, PMCID: PMC8962531

NM_001018005.2(TPM1):c.528G>A (p.Leu176=)

Gene: TPM1 (tropomyosin 1; plus strand). Cytogenetic location: 15q22.2.
Variant type: single nucleotide variant.
Coding change: c.528G>A on transcript NM_001018005.2 (MANE Select); coding-DNA position 528, G replaced by A.
Protein change: p.Leu176=; no amino-acid change (leucine 176 retained).
Molecular consequence: synonymous variant. On other transcripts: non-coding transcript variant (17).
Genome position (GRCh38, 1-based): chr15:63,060,904, G>A. VCF-style: chr15-63060904-G-A. GRCh37 (hg19) VCF-style: chr15-63353103-G-A.
Other names: c.528G>A, p.Leu176= (NM_000366.6, NM_001018004.2, NM_001018006.2 and 20 more transcripts); c.420G>A, p.Leu140= (NM_001018008.2, NM_001301289.2, NM_001330344.2 and 9 more transcripts); c.654G>A, p.Leu218= (NM_001365778.1, NM_001407322.1, NM_001407323.1 and 1 more transcripts).
Identifiers: ClinVar variation 3071679 (VCV003071679.1), dbSNP rs2542806417, ClinGen allele CA490693102.